The following is an entry in ClinVar:

ClinVar aggregate classification (germline): Uncertain significance (1 of 4 stars; one submission).

Conditions:
Genitopatellar syndrome (GTPTS). Also called: Genitopatellar syndrome (GPS); ABSENT PATELLAE, SCROTAL HYPOPLASIA, RENAL ANOMALIES, FACIAL DYSMORPHISM, AND MENTAL RETARDATION. Identifiers: Orphanet 85201, MedGen C1853566, MONDO:0011640, OMIM 606170.

Submission:

Labcorp Genetics (formerly Invitae), Labcorp
Classification: Uncertain significance for Genitopatellar syndrome. Last evaluated: 2025-10-09. Review status: criteria provided, single submitter. Criteria: Invitae Variant Classification Sherloc (09022015). Collection method: clinical testing. Allele origin: germline.
Comment: This sequence change replaces valine, which is neutral and non-polar, with glycine, which is neutral and non-polar, at codon 528 of the KAT6B protein (p.Val528Gly). This variant is not present in population databases (gnomAD no frequency). This variant has not been reported in the literature in individuals affected with KAT6B-related conditions. An algorithm developed to predict the effect of missense changes on protein structure and function outputs the following: PolyPhen-2: "Benign". The glycine amino acid residue is found in multiple mammalian species, which suggests that this missense change does not adversely affect protein function. In summary, the available evidence is currently insufficient to determine the role of this variant in disease. Therefore, it has been classified as a Variant of Uncertain Significance.

NM_012330.4(KAT6B):c.1583T>G (p.Val528Gly)

Gene: KAT6B (lysine acetyltransferase 6B; plus strand). Cytogenetic location: 10q22.2.
Variant type: single nucleotide variant.
Coding change: c.1583T>G on transcript NM_012330.4 (MANE Select); coding-DNA position 1583, T replaced by G.
Protein change: p.Val528Gly; replaces valine 528 with glycine.
Molecular consequence: missense variant. On other transcripts: intron variant (13).
Genome position (GRCh38, 1-based): chr10:74,975,920, T>G. VCF-style: chr10-74975920-T-G. GRCh37 (hg19) VCF-style: chr10-76735678-T-G.
Other names: c.1583T>G, p.Val528Gly (NM_001370136.1, NM_001370137.1); c.1117+466T>G (NM_001370139.1, NM_001370140.1, NM_001370141.1 and 3 more transcripts); c.1444+139T>G (NM_001370138.1, NM_001256468.2); c.846+6145T>G (NM_001370133.1); c.193-3304T>G (NM_001370134.1); c.929-1396T>G (NM_001370143.1, NM_001370144.1); c.193-13099T>G (NM_001370135.1); short protein forms V528G.
Identifiers: ClinVar variation 4780541 (VCV004780541.1).
Genomic context (GRCh38, chr10:74,975,920, plus strand): 5'-AAAAGTCCAGCACGGCCACTTCTTCTCCCTCTCCCCAGAGTTCTTCCAGCCAGTGCAGTG[T>G]GCCCTCCCTGAGCAGCCTTACCACTAACAGCCAGCTGAAGGCACTCTTTGATGGGCTTTC-3'
Protein context (NP_036462.2, residues 518-538): SPQSSSSQCS[Val528Gly]PSLSSLTTNS